The following is an entry in ClinVar:

NM_177438.3(DICER1):c.1326G>A (p.Leu442=)

Gene: DICER1 (dicer 1, ribonuclease III; minus strand). Cytogenetic location: 14q32.13.
Variant type: single nucleotide variant.
Coding change: c.1326G>A on transcript NM_177438.3 (MANE Select); coding-DNA position 1326, G replaced by A.
Protein change: p.Leu442=; no amino-acid change (leucine 442 retained).
Molecular consequence: synonymous variant.
Genome position (GRCh38, 1-based): chr14:95,124,246, C>T on the plus strand (G>A on the coding strand, the complement: DICER1 is on the minus strand). VCF-style: chr14-95124246-C-T. GRCh37 (hg19) VCF-style: chr14-95590583-C-T.
Other names: c.1326G>A, p.Leu442= (NM_001195573.1, NM_001271282.3, NM_001291628.2 and 1 more transcripts).
Identifiers: ClinVar variation 1087785 (VCV001087785.11), dbSNP rs2140201151, ClinGen allele CA487845109.

ClinVar aggregate classification (germline): Benign/Likely benign. Review status: criteria provided, multiple submitters, no conflicts (2 of 4 stars). 2 submissions from 2 submitters: Benign (1); Likely benign (1). Last evaluated 2026-04-15.

Conditions:
DICER1-related tumor predisposition. Also called: DICER1 syndrome; DICER1-related pleuropulmonary blastoma cancer predisposition syndrome. Identifiers: Orphanet 284343, MedGen C3839822, MONDO:0100216.

Allele frequency attached by ClinVar (database versions not stated): gnomAD exomes below 0.00001.

Submissions (2):

Myriad Genetics, Inc.
Classification: Benign for DICER1-related tumor predisposition. Last evaluated: 2026-04-15. Review status: criteria provided, single submitter. Criteria: Myriad Autosomal Dominant, Autosomal Recessive and X-Linked Classification Criteria (2023). Collection method: clinical testing. Allele origin: unknown.
Comment: This variant is considered benign. This variant is a silent/synonymous amino acid change and it is not expected to impact splicing.

Labcorp Genetics (formerly Invitae), Labcorp
Classification: Likely benign for DICER1-related tumor predisposition. Last evaluated: 2024-09-27. Review status: criteria provided, single submitter. Criteria: Invitae Variant Classification Sherloc (09022015). Collection method: clinical testing. Allele origin: germline.